The following is an entry in ClinVar:

ClinVar aggregate classification (germline): Pathogenic/Likely pathogenic. Review status: criteria provided, multiple submitters, no conflicts (2 of 4 stars). 6 submissions from 6 submitters: Pathogenic (3); Likely pathogenic (3). Last evaluated 2025-02-13.

Conditions:
Phelan-McDermid syndrome. Also called: Phelan-McDermid Syndrome-SHANK3 Related; TELOMERIC 22q13 MONOSOMY SYNDROME; 22q13.3 deletion syndrome. Identifiers: Orphanet 48652, MedGen C1853490, MONDO:0011652, OMIM 606232.
Schizophrenia 15 (SCZD15). Also called: SCHIZOPHRENIA SUSCEPTIBILITY LOCUS, CHROMOSOME 22q13-RELATED. Identifiers: MedGen C3151380, MONDO:0013498, OMIM 613950.
Intellectual disability. Also called: Intellectual developmental disorder; Intellectual functioning disability; intellectual disabilities. Identifiers: MedGen C3714756, MeSH D008607, MONDO:0001071, HP:0001249.
Neurodevelopmental delay. Identifiers: MedGen C4022738, HP:0012758.

Submissions (6):

GeneDx
Classification: Pathogenic. Last evaluated: 2025-02-13. Review status: criteria provided, single submitter. Criteria: GeneDx Variant Classification Process June 2021. Collection method: clinical testing. Allele origin: germline.
Comment: Frameshift variant predicted to result in protein truncation or nonsense mediated decay in a gene for which loss of function is a known mechanism of disease; Has not been previously published as pathogenic or benign to our knowledge

Fulgent Genetics
Classification: Likely pathogenic for Phelan-McDermid syndrome; Schizophrenia 15. Last evaluated: 2021-09-07. Review status: criteria provided, single submitter. Criteria: ACMG Guidelines, 2015. Collection method: clinical testing. Allele origin: unknown.

CENTOGENE GmbH and LLC - Guiding Precision Medicine
Classification: Likely pathogenic for Phelan-McDermid syndrome. Last evaluated: 2020-04-20. Review status: criteria provided, single submitter. Criteria: ACMG Guidelines, 2015. Collection method: clinical testing. Allele origin: germline. Affected: yes.

Diagnostic Laboratory, Strasbourg University Hospital
Classification: Likely pathogenic for Intellectual disability. Last evaluated: 2020-04-20. Review status: criteria provided, single submitter. Criteria: ACMG Guidelines, 2015. Collection method: clinical testing. Allele origin: de novo. Inheritance: Autosomal dominant inheritance. Affected: yes. Observed: 1 heterozygote.

Genetic Services Laboratory, University of Chicago
Classification: Pathogenic for Phelan-McDermid syndrome. Last evaluated: 2015-12-10. Review status: criteria provided, single submitter. Criteria: ACMG Guidelines, 2015. Collection method: clinical testing. Allele origin: germline. Affected: yes.

Centre de Biologie Pathologie Génétique, Centre Hospitalier Universitaire de Lille
Classification: Pathogenic for Neurodevelopmental delay. Review status: criteria provided, single submitter. Criteria: ACMG Guidelines, 2015. Collection method: clinical testing. Allele origin: unknown. Affected: yes.

NM_001372044.2(SHANK3):c.3904del

Gene: SHANK3 (SH3 and multiple ankyrin repeat domains 3; plus strand). Cytogenetic location: 22q13.33.
Variant type: Deletion.
Coding change: c.3904del on transcript NM_001372044.2 (MANE Select); coding-DNA position 3904, one base deleted (G; older notation c.3904delG).
Molecular consequence: frameshift variant (on NM_033517.1).
Genome position (GRCh38, 1-based): chr22:50,721,512, G deleted; the last of 8 consecutive G bases (chr22:50,721,505-50,721,512); deleting any one gives the same sequence. VCF-style (leftmost placement, unchanged base first): chr22-50721504-TG-T. GRCh37 (hg19) VCF-style: chr22-51159932-TG-T.
Other names: NM_001080420.1:c.3727del; c.3679del, p.Ala1227fs (NM_033517.1); short protein forms A1227fs.
Identifiers: ClinVar variation 436718 (VCV000436718.13), dbSNP rs762292772, ClinGen allele CA10326100.